The following is an entry in ClinVar:

NM_001358235.2(DCHS2):c.1026G>T (p.Gly342=)

Gene: DCHS2 (dachsous cadherin-related 2; minus strand). Cytogenetic location: 4q31.3.
Variant type: single nucleotide variant.
Coding change: c.1026G>T on transcript NM_001358235.2 (MANE Select); coding-DNA position 1026, G replaced by T.
Protein change: p.Gly342=; no amino-acid change (glycine 342 retained).
Molecular consequence: synonymous variant.
Genome position (GRCh38, 1-based): chr4:154,490,330, C>A on the plus strand (G>T on the coding strand, the complement: DCHS2 is on the minus strand). VCF-style: chr4-154490330-C-A. GRCh37 (hg19) VCF-style: chr4-155411482-C-A.
Other names: c.1026G>T, p.Gly342= (NM_001142552.2, NM_001412223.1).
Identifiers: ClinVar variation 3041367 (VCV003041367.2), dbSNP rs370518039, ClinGen allele CA3113852.

ClinVar aggregate classification (germline): Benign (0 of 4 stars; one submission).

Conditions:
DCHS2-related disorder. Also called: DCHS2-related condition.

Allele frequency attached by ClinVar (database versions not stated): TOPMed 0.00536; gnomAD 0.00640; 1000 Genomes Project 30x 0.01999; 1000 Genomes Project 0.02037; ExAC 0.04123.
gnomAD v4.1: 6,836 of 1,543,416 alleles (0.44%); highest among the groups gnomAD compares: South Asian, 6.1%; 219 homozygotes.

Submission:

PreventionGenetics, part of Exact Sciences
Classification: Benign for DCHS2-related condition. Last evaluated: 2019-03-20. Review status: no assertion criteria provided. Collection method: clinical testing. Allele origin: germline.
Comment: This variant is classified as benign based on ACMG/AMP sequence variant interpretation guidelines (Richards et al. 2015 PMID: 25741868, with internal and published modifications).